The following is an entry in ClinVar:

ClinVar aggregate classification (germline): Conflicting classifications of pathogenicity. Review status: criteria provided, conflicting classifications (1 of 4 stars). 4 submissions from 4 submitters: Uncertain significance (3); Likely benign (1). Last evaluated 2025-08-13.

Conditions:
Hereditary cancer-predisposing syndrome. Also called: Neoplastic Syndromes, Hereditary; Hereditary Cancer Syndrome; Hereditary neoplastic syndrome; Tumor predisposition. Identifiers: Orphanet 140162, MedGen C0027672, MeSH D009386, MONDO:0015356.
CDKN1B-related disorder. Also called: CDKN1B-related condition.
Multiple endocrine neoplasia type 4. Also called: MULTIPLE ENDOCRINE NEOPLASIA, TYPE IV. Identifiers: Orphanet 276152, MedGen C1970712, MONDO:0012552, OMIM 610755.

Allele frequency attached by ClinVar (database versions not stated): ExAC 0.00001; gnomAD exomes 0.00001; TOPMed 0.00002; gnomAD 0.00004.
gnomAD v4.1: 13 of 1,612,672 alleles (0.00081%); highest among the groups gnomAD compares: African/African-American, 0.011%; no homozygotes.

Submissions (4):

Quest Diagnostics Nichols Institute San Juan Capistrano
Classification: Uncertain significance. Last evaluated: 2025-08-13. Review status: criteria provided, single submitter. Criteria: Quest Diagnostics criteria. Collection method: clinical testing. Allele origin: unknown.
Comment: The CDKN1B c.383C>T (p.Thr128Met) variant has not been reported in individuals with CDKN1B-related conditions in the published literature. The frequency of this variant in the general population (Genome Aggregation Database) is higher than would generally be expected for pathogenic variants in this gene. Analysis of this variant using bioinformatics tools for the prediction of the effect of amino acid changes on protein structure and function yielded conflicting predictions that this variant is benign or damaging. Based on the available information, we are unable to determine the clinical significance of this variant.

Labcorp Genetics (formerly Invitae), Labcorp
Classification: Uncertain significance for Multiple endocrine neoplasia type 4. Last evaluated: 2025-05-27. Review status: criteria provided, single submitter. Criteria: Invitae Variant Classification Sherloc (09022015). Collection method: clinical testing. Allele origin: germline.
Comment: This sequence change replaces threonine, which is neutral and polar, with methionine, which is neutral and non-polar, at codon 128 of the CDKN1B protein (p.Thr128Met). This variant is present in population databases (rs761235464, gnomAD 0.008%). This variant has not been reported in the literature in individuals affected with CDKN1B-related conditions. ClinVar contains an entry for this variant (Variation ID: 824285). An algorithm developed to predict the effect of missense changes on protein structure and function (PolyPhen-2) suggests that this variant is likely to be disruptive. In summary, the available evidence is currently insufficient to determine the role of this variant in disease. Therefore, it has been classified as a Variant of Uncertain Significance.

PreventionGenetics, part of Exact Sciences
Classification: Uncertain significance for CDKN1B-related condition. Last evaluated: 2022-12-22. Review status: criteria provided, single submitter. Criteria: ACMG Guidelines, 2015. Collection method: clinical testing. Allele origin: germline.
Comment: The CDKN1B c.383C>T variant is predicted to result in the amino acid substitution p.Thr128Met. To our knowledge, this variant has not been reported in the literature. This variant is reported in 0.012% of alleles in individuals of African descent in gnomAD and has conflicting interpretations of likely benign and uncertain significance in ClinVar. At this time, the clinical significance of this variant is uncertain due to the absence of conclusive functional and genetic evidence.

Ambry Genetics
Classification: Likely benign for Hereditary cancer-predisposing syndrome. Last evaluated: 2022-08-16. Review status: criteria provided, single submitter. Criteria: Ambry Variant Classification Scheme 2023. Collection method: clinical testing. Allele origin: germline.

Literature cited by the submitters: PubMed 28259476 (cited by Quest Diagnostics Nichols Institute San Juan Capistrano).

NM_004064.5(CDKN1B):c.383C>T (p.Thr128Met)

Gene: CDKN1B (cyclin dependent kinase inhibitor 1B; plus strand). Cytogenetic location: 12p13.1.
Variant type: single nucleotide variant.
Coding change: c.383C>T on transcript NM_004064.5 (MANE Select); coding-DNA position 383, C replaced by T.
Protein change: p.Thr128Met; replaces threonine 128 with methionine.
Molecular consequence: missense variant.
Genome position (GRCh38, 1-based): chr12:12,718,222, C>T. VCF-style: chr12-12718222-C-T. GRCh37 (hg19) VCF-style: chr12-12871156-C-T.
Other names: short protein forms T128M.
Identifiers: ClinVar variation 824285 (VCV000824285.14), dbSNP rs761235464, ClinGen allele CA6457482.